The following is an entry in ClinVar:

ClinVar aggregate classification (germline): Uncertain significance (1 of 4 stars; one submission).

Conditions:
Gastrointestinal stromal tumor. Also called: Gastrointestinal stroma tumor; Gastrointestinal stromal tumor, somatic. Identifiers: Orphanet 44890, MedGen C0238198, MeSH D046152, MONDO:0011719, OMIM 606764, HP:0100723.

Submission:

Labcorp Genetics (formerly Invitae), Labcorp
Classification: Uncertain significance for Gastrointestinal stromal tumor. Last evaluated: 2022-05-10. Review status: criteria provided, single submitter. Criteria: Invitae Variant Classification Sherloc (09022015). Collection method: clinical testing. Allele origin: germline.
Comment: In summary, the available evidence is currently insufficient to determine the role of this variant in disease. Therefore, it has been classified as a Variant of Uncertain Significance. Algorithms developed to predict the effect of missense changes on protein structure and function (SIFT, PolyPhen-2, Align-GVGD) all suggest that this variant is likely to be disruptive. This variant has not been reported in the literature in individuals affected with PDGFRA-related conditions. This variant is not present in population databases (gnomAD no frequency). This sequence change replaces glycine, which is neutral and non-polar, with arginine, which is basic and polar, at codon 662 of the PDGFRA protein (p.Gly662Arg).

NM_006206.6(PDGFRA):c.1984G>A (p.Gly662Arg)

Gene: PDGFRA (platelet derived growth factor receptor alpha; plus strand). Cytogenetic location: 4q12.
Variant type: single nucleotide variant.
Coding change: c.1984G>A on transcript NM_006206.6 (MANE Select); coding-DNA position 1984, G replaced by A.
Protein change: p.Gly662Arg; replaces glycine 662 with arginine.
Molecular consequence: missense variant.
Genome position (GRCh38, 1-based): chr4:54,277,988, G>A. VCF-style: chr4-54277988-G-A. GRCh37 (hg19) VCF-style: chr4-55144155-G-A.
Other names: c.1984G>A, p.Gly662Arg (NM_001347827.2, NM_001347829.2); c.2059G>A, p.Gly687Arg (NM_001347828.2); c.2023G>A, p.Gly675Arg (NM_001347830.2); short protein forms G662R, G687R, G675R.
Identifiers: ClinVar variation 1992731 (VCV001992731.4), dbSNP rs2110312101, ClinGen allele CA356893763.